The following is an entry in ClinVar:

NM_031407.7(HUWE1):c.9468_9470del (p.Gly3157del)

Gene: HUWE1 (HECT, UBA and WWE domain containing E3 ubiquitin protein ligase 1; minus strand). Cytogenetic location: Xp11.22.
Variant type: Deletion.
Coding change: c.9468_9470del on transcript NM_031407.7 (MANE Select); coding-DNA positions 9468 to 9470, 3 bases deleted (GGG; older notation c.9468_9470delGGG).
Protein change: p.Gly3157del; deletes glycine 3157.
Molecular consequence: inframe deletion.
Genome position (GRCh38, 1-based): chrX:53,550,684-53,550,686, CCC deleted on the plus strand (GGG on the coding strand, the reverse complement: HUWE1 is on the minus strand); deleting any 3 consecutive bases within chrX:53,550,684-53,550,689 gives the same sequence; the c. name uses the placement nearest the transcript's 3' end. VCF-style (leftmost placement, unchanged base first): chrX-53550683-ACCC-A. GRCh37 (hg19) VCF-style: chrX-53577644-ACCC-A.
Other names: c.9468_9470delGGG (NM_031407.4); short protein forms G3157del.
Identifiers: ClinVar variation 211171 (VCV000211171.9), dbSNP rs782375893, ClinGen allele CA209725.

ClinVar aggregate classification (germline): Conflicting classifications of pathogenicity. Review status: criteria provided, conflicting classifications (1 of 4 stars). 3 submissions from 3 submitters: Uncertain significance (1); Likely benign (2). Last evaluated 2025-08-11.

Conditions:
Inborn genetic diseases. Identifiers: MedGen C0950123, MeSH D030342.

Submissions (3):

Labcorp Genetics (formerly Invitae), Labcorp
Classification: Uncertain significance. Last evaluated: 2025-08-11. Review status: criteria provided, single submitter. Criteria: Invitae Variant Classification Sherloc (09022015). Collection method: clinical testing. Allele origin: germline.
Comment: This variant, c.9468_9470del, results in the deletion of 1 amino acid(s) of the HUWE1 protein (p.Gly3157del), but otherwise preserves the integrity of the reading frame. This variant is present in population databases (rs782375893, gnomAD 0.006%), including at least one homozygous and/or hemizygous individual. This variant has not been reported in the literature in individuals affected with HUWE1-related conditions. ClinVar contains an entry for this variant (Variation ID: 211171). Experimental studies and prediction algorithms are not available or were not evaluated, and the functional significance of this variant is currently unknown. In summary, the available evidence is currently insufficient to determine the role of this variant in disease. Therefore, it has been classified as a Variant of Uncertain Significance.

Ambry Genetics
Classification: Likely benign for Inborn genetic diseases. Last evaluated: 2024-11-15. Review status: criteria provided, single submitter. Criteria: Ambry Variant Classification Scheme 2023. Collection method: clinical testing. Allele origin: germline.

Genetic Services Laboratory, University of Chicago
Classification: Likely benign. Last evaluated: 2014-12-18. Review status: criteria provided, single submitter. Criteria: ACMG Guidelines, 2015. Collection method: clinical testing. Allele origin: germline.